The following is an entry in ClinVar:

NM_002742.3(PRKD1):c.1661C>T (p.Thr554Ile)

Gene: PRKD1 (protein kinase D1; minus strand). Cytogenetic location: 14q12.
Variant type: single nucleotide variant.
Coding change: c.1661C>T on transcript NM_002742.3 (MANE Select); coding-DNA position 1661, C replaced by T.
Protein change: p.Thr554Ile; replaces threonine 554 with isoleucine.
Molecular consequence: missense variant.
Genome position (GRCh38, 1-based): chr14:29,630,753, G>A on the plus strand (C>T on the coding strand, the complement: PRKD1 is on the minus strand). VCF-style: chr14-29630753-G-A. GRCh37 (hg19) VCF-style: chr14-30099959-G-A.
Other names: c.1685C>T, p.Thr562Ile (NM_001330069.2); c.1397C>T, p.Thr466Ile (NM_001348390.1); short protein forms T554I, T466I, T562I.
Identifiers: ClinVar variation 5009131 (VCV005009131.1).

ClinVar aggregate classification (germline): Uncertain significance (1 of 4 stars; one submission).

Submission:

GeneDx
Classification: Uncertain significance. Last evaluated: 2026-03-12. Review status: criteria provided, single submitter. Criteria: GeneDx Variant Classification Process June 2021. Collection method: clinical testing. Allele origin: germline.
Comment: Not observed at significant frequency in large population cohorts (gnomAD); In silico analysis suggests that this missense variant does not alter protein structure/function; Has not been previously published as pathogenic or benign to our knowledge